The following is an entry in ClinVar:

GRCh38/hg38 15q13.2-13.3(chr15:30527262-32217725)x1

Genes: ARHGAP11B (Rho GTPase activating protein 11B), ARHGAP11B-DT (ARHGAP11B divergent transcript), CHRNA7 (cholinergic receptor nicotinic alpha 7 subunit), FAN1 (FANCD2 and FANCI associated nuclease 1; plus strand), GOLGA8H (golgin A8 family member H) and 29 more. Cytogenetic location: 15q13.2-13.3.
Variant type: copy number loss.
Change: copy number 1 (one copy instead of two) of chr15:30,527,262-32,217,725 (1.69 Mb, GRCh38 coordinates, 1-based), cytogenetic band 15q13.2-13.3.
Identifiers: ClinVar variation 160802 (VCV000160802.1).

ClinVar aggregate classification (germline): Pathogenic (1 of 4 stars; one submission).

Submission:

ISCA site 4
Classification: Pathogenic. Last evaluated: 2011-08-12. Review status: criteria provided, single submitter. Criteria: Kaminsky et al. (Genet Med. 2011). Collection method: clinical testing. Allele origin: maternal, unknown. Affected: yes. Observed: 2 variant alleles.
Comment: Copy number variation identified through the course of routine clinical cytogenomic testing in postnatal populations. Clinical assertions have been curated as described in Kaminsky et al. 2011.